The following is an entry in ClinVar:

ClinVar aggregate classification (germline): Benign. Review status: criteria provided, multiple submitters, no conflicts (2 of 4 stars). 13 submissions from 13 submitters: Benign (10). 3 of the submissions do not count toward it. Last evaluated 2026-02-03.

Conditions:
Inborn genetic diseases. Identifiers: MedGen C0950123, MeSH D030342.
Cornelia de Lange syndrome 1 (CDLS1). Also called: TYPUS DEGENERATIVUS AMSTELODAMENSIS; Brachmann de Lange syndrome; NIPBL-Related Cornelia de Lange Syndrome. Identifiers: Orphanet 199, MedGen C4551851, MONDO:0007387, OMIM 122470.

Allele frequency attached by ClinVar (database versions not stated): TOPMed 0.12592; gnomAD 0.12117 and 0.12214; 1000 Genomes Project 0.12520; gnomAD exomes 0.13732 and 0.11769; ExAC 0.13219; ESP Exome Variant Server 0.11379; 1000 Genomes Project 30x 0.12601.

Submissions (16):

Labcorp Genetics (formerly Invitae), Labcorp
Classification: Benign for Cornelia de Lange syndrome 1. Last evaluated: 2026-02-03. Review status: criteria provided, single submitter. Criteria: Invitae Variant Classification Sherloc (09022015). Collection method: clinical testing. Allele origin: germline.

Blueprint Genetics
Classification: Benign. Last evaluated: 2024-11-26. Review status: criteria provided, single submitter. Criteria: ACMG Guidelines, 2015. Collection method: clinical testing. Allele origin: germline.

Genome-Nilou Lab
Classification: Benign for Cornelia de Lange syndrome 1. Last evaluated: 2021-07-15. Review status: criteria provided, single submitter. Criteria: ACMG Guidelines, 2015. Collection method: clinical testing. Allele origin: germline. Affected: no.

Athena Diagnostics
Classification: Benign. Last evaluated: 2018-05-07. Review status: criteria provided, single submitter. Criteria: Athena Diagnostics Criteria. Collection method: clinical testing. Allele origin: germline.

Illumina Laboratory Services, Illumina
Classification: Benign for Cornelia de Lange syndrome 1. Last evaluated: 2018-01-13. Review status: criteria provided, single submitter. Criteria: ICSL Variant Classification Criteria 13 December 2019. Collection method: clinical testing. Allele origin: germline.
Comment: This variant was observed in the ICSL laboratory as part of a predisposition screen in an ostensibly healthy population. It had not been previously curated by ICSL or reported in the Human Gene Mutation Database (HGMD: prior to June 1st, 2018), and was therefore a candidate for classification through an automated scoring system. Utilizing variant allele frequency, disease prevalence and penetrance estimates, and inheritance mode, an automated score was calculated to assess if this variant is too frequent to cause the disease. Based on the score and internal cut-off values, a variant classified as benign is not then subjected to further curation. The score for this variant resulted in a classification of benign for this disease.

Ambry Genetics
Classification: Benign for Inborn genetic diseases. Last evaluated: 2016-03-11. Review status: criteria provided, single submitter. Criteria: Ambry Variant Classification Scheme 2023. Collection method: clinical testing. Allele origin: germline.

GeneDx
Classification: Benign. Last evaluated: 2015-03-03. Review status: criteria provided, single submitter. Criteria: GeneDx Variant Classification Process June 2021. Collection method: clinical testing. Allele origin: germline. Affected: yes.

Eurofins Ntd Llc (ga)
Classification: Benign. Last evaluated: 2014-01-02. Review status: criteria provided, single submitter. Criteria: EGL Classification Definitions 2015. Collection method: clinical testing. Allele origin: germline. Observed: 16 variant alleles, 14 heterozygotes, 2 homozygotes.

Breakthrough Genomics
Classification: Benign. Review status: criteria provided, single submitter. Criteria: ACMG Guidelines, 2015. Collection method: not provided. Allele origin: germline. Inheritance: Autosomal dominant inheritance. Affected: yes.

PreventionGenetics, part of Exact Sciences
Classification: Benign. Review status: criteria provided, single submitter. Criteria: ACMG Guidelines, 2015. Collection method: clinical testing. Allele origin: germline.

Genetic Services Laboratory, University of Chicago
Classification: Benign for Cornelia de Lange syndrome 1. Last evaluated: 2013-08-15. Review status: no assertion criteria provided. Collection method: clinical testing. Allele origin: germline. Affected: yes. Not counted in ClinVar's aggregate classification.

Diagnostic Laboratory, Department of Genetics, University Medical Center Groningen
Classification: Benign. Review status: no assertion criteria provided. Collection method: clinical testing. Allele origin: germline. Affected: yes. Study: VKGL Data-share Consensus. Not counted in ClinVar's aggregate classification.

Dr. Peter K. Rogan Lab, Western University
No classification provided (evidence only). Condition: Adrenocortical carcinoma, hereditary. Review status: no classification provided. Collection method: in vitro. Allele origin: not applicable. Functional consequence: retained intron. Not counted in ClinVar's aggregate classification.

Dr. Peter K. Rogan Lab, Western University
No classification provided (evidence only). Condition: Adrenocortical carcinoma, hereditary. Review status: no classification provided. Collection method: in vitro. Allele origin: not applicable. Functional consequence: retained intron. Not counted in ClinVar's aggregate classification.

Dr. Peter K. Rogan Lab, Western University
No classification provided (evidence only). Condition: Germ cell tumor of testis. Review status: no classification provided. Collection method: in vitro. Allele origin: not applicable. Functional consequence: skipped exon. Not counted in ClinVar's aggregate classification.

Joint Genome Diagnostic Labs from Nijmegen and Maastricht, Radboudumc and MUMC+
Classification: Benign. Review status: no assertion criteria provided. Collection method: clinical testing. Allele origin: germline. Affected: yes. Study: VKGL Data-share Consensus. Not counted in ClinVar's aggregate classification.

NM_133433.4(NIPBL):c.2021A>G (p.Asn674Ser)

Gene: NIPBL (NIPBL cohesin loading factor; plus strand). Cytogenetic location: 5p13.2.
Variant type: single nucleotide variant.
Coding change: c.2021A>G on transcript NM_133433.4 (MANE Select); coding-DNA position 2021, A replaced by G.
Protein change: p.Asn674Ser; replaces asparagine 674 with serine.
Molecular consequence: missense variant.
Genome position (GRCh38, 1-based): chr5:36,985,201, A>G. VCF-style: chr5-36985201-A-G. GRCh37 (hg19) VCF-style: chr5-36985303-A-G.
Other names: c.2021A>G, p.Asn674Ser (NM_015384.5); short protein forms N674S.
Identifiers: ClinVar variation 96333 (VCV000096333.37), dbSNP rs3822471, ClinGen allele CA149438.